The following is an entry in ClinVar:

NM_001365536.1(SCN9A):c.4877G>C (p.Gly1626Ala)

Genes: SCN9A (sodium voltage-gated channel alpha subunit 9; minus strand), SCN1A-AS1 (SCN1A and SCN9A antisense RNA 1; plus strand). Cytogenetic location: 2q24.3.
Variant type: single nucleotide variant.
Coding change: c.4877G>C on transcript NM_001365536.1 (MANE Select); coding-DNA position 4877, G replaced by C.
Protein change: p.Gly1626Ala; replaces glycine 1626 with alanine.
Molecular consequence: missense variant. On other transcripts: non-coding transcript variant (1).
Genome position (GRCh38, 1-based): chr2:166,199,762, C>G on the plus strand (G>C on the coding strand, the complement: SCN9A is on the minus strand). VCF-style: chr2-166199762-C-G. GRCh37 (hg19) VCF-style: chr2-167056272-C-G.
Other names: c.4844G>C, p.Gly1615Ala (NM_002977.4); short protein forms G1615A, G1626A.
Identifiers: ClinVar variation 471136 (VCV000471136.8), dbSNP rs200364146, ClinGen allele CA1943756.

ClinVar aggregate classification (germline): Uncertain significance. Review status: criteria provided, multiple submitters, no conflicts (2 of 4 stars). 2 submissions from 2 submitters: Uncertain significance (2). Last evaluated 2024-12-04.

Conditions:
Neuropathy, hereditary sensory and autonomic, type 2A (HSAN2A). Also called: ACROOSTEOLYSIS, NEUROGENIC; ACROOSTEOLYSIS, GIACCAI TYPE; MORVAN DISEASE; NEUROPATHY, CONGENITAL SENSORY; NEUROPATHY, HEREDITARY SENSORY RADICULAR, AUTOSOMAL RECESSIVE; NEUROPATHY, HEREDITARY SENSORY, TYPE IIA. Identifiers: Orphanet 970, MedGen C2752089, MONDO:0024309, OMIM 201300.
Generalized epilepsy with febrile seizures plus, type 7 (GEFSP7). Also called: GEFS+, TYPE 7. Identifiers: Orphanet 36387, MedGen C2751778, MONDO:0013470, OMIM 613863.
Inborn genetic diseases. Identifiers: MedGen C0950123, MeSH D030342.

Allele frequency attached by ClinVar (database versions not stated): gnomAD 0.00001; TOPMed 0.00001; gnomAD exomes 0.00002 and 0.00004; ExAC 0.00004; ESP Exome Variant Server 0.00008.
gnomAD v4.1: 26 of 1,613,890 alleles (0.0016%); highest among the groups gnomAD compares: Non-Finnish European, 0.002%; no homozygotes.

Submissions (2):

Ambry Genetics
Classification: Uncertain significance for Inborn genetic diseases. Last evaluated: 2024-12-04. Review status: criteria provided, single submitter. Criteria: Ambry Variant Classification Scheme 2023. Collection method: clinical testing. Allele origin: germline.

Labcorp Genetics (formerly Invitae), Labcorp
Classification: Uncertain significance for Neuropathy, hereditary sensory and autonomic, type 2A; Generalized epilepsy with febrile seizures plus, type 7. Last evaluated: 2024-03-06. Review status: criteria provided, single submitter. Criteria: Invitae Variant Classification Sherloc (09022015). Collection method: clinical testing. Allele origin: germline.
Comment: This sequence change replaces glycine, which is neutral and non-polar, with alanine, which is neutral and non-polar, at codon 1615 of the SCN9A protein (p.Gly1615Ala). This variant is present in population databases (rs200364146, gnomAD 0.007%). This variant has not been reported in the literature in individuals affected with SCN9A-related conditions. ClinVar contains an entry for this variant (Variation ID: 471136). Advanced modeling of protein sequence and biophysical properties (such as structural, functional, and spatial information, amino acid conservation, physicochemical variation, residue mobility, and thermodynamic stability) performed at Invitae indicates that this missense variant is not expected to disrupt SCN9A protein function with a negative predictive value of 95%. In summary, the available evidence is currently insufficient to determine the role of this variant in disease. Therefore, it has been classified as a Variant of Uncertain Significance.